The following is an entry in ClinVar:

NM_130839.5(UBE3A):c.20+402A>G

Genes: SNHG14 (small nucleolar RNA host gene 14; plus strand), UBE3A (ubiquitin protein ligase E3A; minus strand). Cytogenetic location: 15q11.2.
Variant type: single nucleotide variant.
Coding change: c.20+402A>G on transcript NM_130839.5 (MANE Select); 402 bases into the intron after coding-DNA position 20, A replaced by G.
Molecular consequence: intron variant. On other transcripts: 5 prime UTR variant (1), splice acceptor variant (7).
Genome position (GRCh38, 1-based): chr15:25,408,686, T>C on the plus strand (A>G on the coding strand, the complement: UBE3A is on the minus strand). VCF-style: chr15-25408686-T-C. GRCh37 (hg19) VCF-style: chr15-25653833-T-C.
Other names: c.-1660A>G (NM_001374461.1); c.-116+29803A>G (NM_001354546.2); c.-40-3184A>G (NM_001354551.2, NM_001354549.2, NM_001354548.2 and 2 more transcripts); c.20+402A>G (NM_001354550.2, NM_001354545.2, NM_001354538.2 and 1 more transcripts); c.-154+402A>G (NM_001354523.2); c.-112+402A>G (NM_001354539.2); c.-187+402A>G (NM_001354511.2); c.-203+402A>G (NM_001354512.2); and 8 more.
Identifiers: ClinVar variation 2571788 (VCV002571788.3), dbSNP rs750472782, ClinGen allele CA7435751.

ClinVar aggregate classification (germline): Uncertain significance (1 of 4 stars; one submission).

Allele frequency attached by ClinVar (database versions not stated): TOPMed below 0.00001; ExAC 0.00001; gnomAD 0.00001; gnomAD exomes 0.00001.
gnomAD v4.1: 11 of 1,603,134 alleles (0.00069%); highest among the groups gnomAD compares: East Asian, 0.0067%; no homozygotes.

Submission:

GeneDx
Classification: Uncertain significance. Last evaluated: 2025-01-14. Review status: criteria provided, single submitter. Criteria: GeneDx Variant Classification Process June 2021. Collection method: clinical testing. Allele origin: germline. Affected: yes.
Comment: Canonical splice site variant in an alternate transcript (NM_000462.2) of the UBE3A gene; Has not been previously published as pathogenic or benign to our knowledge